The following is an entry in ClinVar:

ClinVar aggregate classification (germline): Likely benign (1 of 4 stars; one submission).

Allele frequency attached by ClinVar (database versions not stated): 1000 Genomes Project 30x 0.01515; 1000 Genomes Project 0.01398; TOPMed 0.01470; gnomAD 0.01492 and 0.01384.
gnomAD v4.1: 2,079 of 152,194 alleles (1.4%); highest among the groups gnomAD compares: African/African-American, 4.8%; 42 homozygotes.

Submission:

GeneDx
Classification: Likely benign. Last evaluated: 2018-06-14. Review status: criteria provided, single submitter. Criteria: GeneDx Variant Classification (06012015). Collection method: clinical testing. Allele origin: germline. Affected: yes.
Comment: This variant is considered likely benign or benign based on one or more of the following criteria: it is a conservative change, it occurs at a poorly conserved position in the protein, it is predicted to be benign by multiple in silico algorithms, and/or has population frequency not consistent with disease.

NM_206926.2(SELENON):c.909-181T>C

Gene: SELENON (selenoprotein N; plus strand). Cytogenetic location: 1p36.11.
Variant type: single nucleotide variant.
Coding change: c.909-181T>C on transcript NM_206926.2 (MANE Select); 181 bases into the intron before coding-DNA position 909, T replaced by C.
Molecular consequence: intron variant.
Genome position (GRCh38, 1-based): chr1:25,811,273, T>C. VCF-style: chr1-25811273-T-C. GRCh37 (hg19) VCF-style: chr1-26137764-T-C.
Other names: c.1011-181T>C (NM_020451.3).
Identifiers: ClinVar variation 679500 (VCV000679500.1), dbSNP rs148884185, ClinGen allele CA19698770.